The following is an entry in ClinVar:

NM_005515.4(MNX1):c.869A>T (p.Gln290Leu)

Gene: MNX1 (motor neuron and pancreas homeobox 1; minus strand). Cytogenetic location: 7q36.3.
Variant type: single nucleotide variant.
Coding change: c.869A>T on transcript NM_005515.4 (MANE Select); coding-DNA position 869, A replaced by T.
Protein change: p.Gln290Leu; replaces glutamine 290 with leucine.
Molecular consequence: missense variant.
Genome position (GRCh38, 1-based): chr7:157,005,857, T>A on the plus strand (A>T on the coding strand, the complement: MNX1 is on the minus strand). VCF-style: chr7-157005857-T-A. GRCh37 (hg19) VCF-style: chr7-156798551-T-A.
Other names: c.233A>T, p.Gln78Leu (NM_001165255.2); short protein forms Q290L, Q78L.
Identifiers: ClinVar variation 2706908 (VCV002706908.3), dbSNP rs2134838779, ClinGen allele CA370162220.

ClinVar aggregate classification (germline): Uncertain significance (1 of 4 stars; one submission).

Submission:

Labcorp Genetics (formerly Invitae), Labcorp
Classification: Uncertain significance. Last evaluated: 2024-03-19. Review status: criteria provided, single submitter. Criteria: Invitae Variant Classification Sherloc (09022015). Collection method: clinical testing. Allele origin: germline.
Comment: This sequence change replaces glutamine, which is neutral and polar, with leucine, which is neutral and non-polar, at codon 290 of the MNX1 protein (p.Gln290Leu). This variant is not present in population databases (gnomAD no frequency). This missense change has been observed in individual(s) with Currarino syndrome (Invitae). Advanced modeling of protein sequence and biophysical properties (such as structural, functional, and spatial information, amino acid conservation, physicochemical variation, residue mobility, and thermodynamic stability) performed at Invitae indicates that this missense variant is expected to disrupt MNX1 protein function with a positive predictive value of 80%. This variant disrupts the p.Gln290 amino acid residue in MNX1. Other variant(s) that disrupt this residue have been observed in individuals with MNX1-related conditions (PMID: 10749657), which suggests that this may be a clinically significant amino acid residue. In summary, the available evidence is currently insufficient to determine the role of this variant in disease. Therefore, it has been classified as a Variant of Uncertain Significance.

Literature cited by the submitters: PubMed 10749657.